The following is an entry in ClinVar:

NM_001365276.2(TNXB):c.1285_1286insGG (p.Asp429fs)

Gene: TNXB (tenascin XB; minus strand). Cytogenetic location: 6p21.33.
Variant type: Insertion.
Coding change: c.1285_1286insGG on transcript NM_001365276.2 (MANE Select); coding-DNA positions 1285 to 1286, GG inserted.
Protein change: p.Asp429fs; shifts the reading frame from aspartic acid 429.
Molecular consequence: frameshift variant.
Genome position: GRCh38 VCF-style: chr6-32096567-T-TCC. GRCh37 (hg19) VCF-style: chr6-32064344-T-TCC.
Other names: c.1285_1286insGG, p.Asp429fs (NM_001428335.1, NM_019105.8); short protein forms D429fs.
Identifiers: ClinVar variation 5015590 (VCV005015590.1).

ClinVar aggregate classification (germline): Pathogenic (1 of 4 stars; one submission).

Conditions:
Ehlers-Danlos syndrome due to tenascin-X deficiency (EDSCLL1). Also called: EDS DUE TO TNX DEFICIENCY; TNX DEFICIENCY; Ehlers-Danlos syndrome, classic-like, 1; EHLERS-DANLOS SYNDROME, CLASSIC-LIKE; TNXB-Related Classical-Like Ehlers-Danlos Syndrome. Identifiers: Orphanet 230839, MedGen C1848029, MONDO:0011670, OMIM 606408.

Submission:

Myriad Genetics, Inc.
Classification: Pathogenic for Ehlers-Danlos syndrome due to tenascin-X deficiency. Last evaluated: 2026-02-21. Review status: criteria provided, single submitter. Criteria: Myriad Autosomal Dominant, Autosomal Recessive and X-Linked Classification Criteria (2023). Collection method: clinical testing. Allele origin: unknown.
Comment: NM_019105.6(TNXB):c.1285_1286insGG(D429Gfs*143) is expected to be pathogenic in the context of classical-like Ehlers-Danlos syndrome, TNXB-related. This variant is predicted to lead to an abnormal or absent protein product due to the creation of a premature termination codon in TNXB, a gene where loss-of-function variants are known to be pathogenic. Please note: this variant was assessed in the context of healthy population screening.